The following is an entry in ClinVar:

ClinVar aggregate classification (germline): Uncertain significance (1 of 4 stars; one submission).

Conditions:
Beckwith-Wiedemann syndrome (BWS). Also called: EMG SYNDROME; Exomphalos macroglossia gigantism syndrome. Identifiers: Orphanet 116, MedGen C0004903, MONDO:0007534, OMIM 130650.

Submission:

Labcorp Genetics (formerly Invitae), Labcorp
Classification: Uncertain significance for Beckwith-Wiedemann syndrome. Last evaluated: 2025-12-31. Review status: criteria provided, single submitter. Criteria: Invitae Variant Classification Sherloc (09022015). Collection method: clinical testing. Allele origin: germline.
Comment: This sequence change replaces proline, which is neutral and non-polar, with leucine, which is neutral and non-polar, at codon 180 of the CDKN1C protein (p.Pro180Leu). The frequency data for this variant in the population databases is considered unreliable, as metrics indicate insufficient coverage at this position in the gnomAD database. This variant has not been reported in the literature in individuals affected with CDKN1C-related conditions. ClinVar contains an entry for this variant (Variation ID: 524711). Invitae Evidence Modeling of protein sequence and biophysical properties (such as structural, functional, and spatial information, amino acid conservation, physicochemical variation, residue mobility, and thermodynamic stability) indicates that this missense variant is not expected to disrupt CDKN1C protein function with a negative predictive value of 80%. In summary, the available evidence is currently insufficient to determine the role of this variant in disease. Therefore, it has been classified as a Variant of Uncertain Significance.

NM_001122630.2(CDKN1C):c.506C>T (p.Pro169Leu)

Gene: CDKN1C (cyclin dependent kinase inhibitor 1C; minus strand). Cytogenetic location: 11p15.4.
Variant type: single nucleotide variant.
Coding change: c.506C>T on transcript NM_001122630.2 (MANE Select); coding-DNA position 506, C replaced by T.
Protein change: p.Pro169Leu; replaces proline 169 with leucine.
Molecular consequence: missense variant. On other transcripts: intron variant (1).
Genome position (GRCh38, 1-based): chr11:2,884,951, G>A on the plus strand (C>T on the coding strand, the complement: CDKN1C is on the minus strand). VCF-style: chr11-2884951-G-A. GRCh37 (hg19) VCF-style: chr11-2906181-G-A.
Other names: c.539C>T, p.Pro180Leu (NM_000076.2, NM_001362474.2, LRG_533t1); c.506C>T, p.Pro169Leu (NM_001122631.2); c.255+251C>T (NM_001362475.2); short protein forms P180L, P169L.
Identifiers: ClinVar variation 524711 (VCV000524711.7), dbSNP rs113374868, ClinGen allele CA216367308.